The following is an entry in ClinVar:

NM_001386140.1(MTTP):c.408C>G (p.Tyr136Ter)

Gene: MTTP (microsomal triglyceride transfer protein; plus strand). Cytogenetic location: 4q23.
Variant type: single nucleotide variant.
Coding change: c.408C>G on transcript NM_001386140.1 (MANE Select); coding-DNA position 408, C replaced by G.
Protein change: p.Tyr136Ter; replaces tyrosine 136 with a stop codon.
Molecular consequence: nonsense.
Genome position (GRCh38, 1-based): chr4:99,589,657, C>G. VCF-style: chr4-99589657-C-G. GRCh37 (hg19) VCF-style: chr4-100510814-C-G.
Other names: c.408C>G, p.Tyr136Ter (NM_000253.4); c.159C>G, p.Tyr53Ter (NM_001300785.2); short protein forms Y136*, Y53*.
Identifiers: ClinVar variation 5014754 (VCV005014754.1).

ClinVar aggregate classification (germline): Pathogenic (1 of 4 stars; one submission).

Conditions:
Abetalipoproteinaemia (ABL). Also called: MTP DEFICIENCY; Abetalipoproteinemia; Abetalipoproteinemia neuropathy; Apolipoprotein B deficiency; Congenital betalipoprotein deficiency syndrome. Identifiers: Orphanet 14, MedGen C0000744, MONDO:0008692, OMIM 200100, HP:0008181.

Submission:

Myriad Genetics, Inc.
Classification: Pathogenic for Abetalipoproteinaemia. Last evaluated: 2025-07-21. Review status: criteria provided, single submitter. Criteria: Myriad Autosomal Dominant, Autosomal Recessive and X-Linked Classification Criteria (2023). Collection method: clinical testing. Allele origin: unknown.
Comment: NM_000253.2(MTTP):c.408C>G(Y136*) is expected to be pathogenic in the context of abetalipoproteinemia. This variant is predicted to lead to an abnormal or absent protein product due to the creation of a premature termination codon in MTTP, a gene where loss-of-function variants are known to be pathogenic. Please note: this variant was assessed in the context of healthy population screening.